The following is an entry in ClinVar:

ClinVar aggregate classification (germline): Uncertain significance (1 of 4 stars; one submission).

Submission:

GeneDx
Classification: Uncertain significance. Last evaluated: 2024-06-04. Review status: criteria provided, single submitter. Criteria: GeneDx Variant Classification Process June 2021. Collection method: clinical testing. Allele origin: germline. Affected: yes.
Comment: Not observed at significant frequency in large population cohorts (gnomAD); In silico analysis supports that this missense variant has a deleterious effect on protein structure/function; Has not been previously published as pathogenic or benign to our knowledge.

NM_001130438.3(SPTAN1):c.844G>A (p.Asp282Asn)

Gene: SPTAN1 (spectrin alpha, non-erythrocytic 1; plus strand). Cytogenetic location: 9q34.11.
Variant type: single nucleotide variant.
Coding change: c.844G>A on transcript NM_001130438.3 (MANE Select); coding-DNA position 844, G replaced by A.
Protein change: p.Asp282Asn; replaces aspartic acid 282 with asparagine.
Molecular consequence: missense variant.
Genome position (GRCh38, 1-based): chr9:128,577,187, G>A. VCF-style: chr9-128577187-G-A. GRCh37 (hg19) VCF-style: chr9-131339466-G-A.
Other names: c.844G>A, p.Asp282Asn (NM_001195532.2, NM_001363759.2, NM_001363765.2 and 5 more transcripts); c.880G>A, p.Asp294Asn (NM_001375312.2, NM_001375318.1); short protein forms D282N, D294N.
Identifiers: ClinVar variation 3390714 (VCV003390714.1).